The following is an entry in ClinVar:

NM_003151.4(STAT4):c.2053C>G (p.Pro685Ala)

Genes: STAT4-AS1 (STAT4 antisense RNA 1; plus strand), STAT4 (signal transducer and activator of transcription 4; minus strand). Cytogenetic location: 2q32.2.
Variant type: single nucleotide variant.
Coding change: c.2053C>G on transcript NM_003151.4 (MANE Select); coding-DNA position 2053, C replaced by G.
Protein change: p.Pro685Ala; replaces proline 685 with alanine.
Molecular consequence: missense variant.
Genome position (GRCh38, 1-based): chr2:191,031,508, G>C on the plus strand (C>G on the coding strand, the complement: STAT4 is on the minus strand). VCF-style: chr2-191031508-G-C. GRCh37 (hg19) VCF-style: chr2-191896234-G-C.
Other names: c.2053C>G, p.Pro685Ala (NM_001243835.2); short protein forms P685A.
Identifiers: ClinVar variation 3674705 (VCV003674705.2).
Genomic context (GRCh38, chr2:191,031,508, plus strand): 5'-ACATTGTTGAGATGGGGATAAAAACAGAAGGAACATAACCTTTGTCACCCCTTTCTGTTG[G>C]TCTTGAAACTGGAAAACAAAAAGGCACAATGTTGGGGAAAAAAATGTCAATATTATCAAT-3'
Protein context (NP_003142.1, residues 675-695): YSSQPCEVSR[Pro685Ala]TERGDKGYVP

ClinVar aggregate classification (germline): Uncertain significance (1 of 4 stars; one submission).

gnomAD v4.1: 6 of 1,612,802 alleles (0.00037%); highest among the groups gnomAD compares: Non-Finnish European, 0.00051%; no homozygotes.

Submission:

Labcorp Genetics (formerly Invitae), Labcorp
Classification: Uncertain significance. Last evaluated: 2025-09-01. Review status: criteria provided, single submitter. Criteria: Invitae Variant Classification Sherloc (09022015). Collection method: clinical testing. Allele origin: germline.
Comment: This sequence change replaces proline, which is neutral and non-polar, with alanine, which is neutral and non-polar, at codon 685 of the STAT4 protein (p.Pro685Ala). This variant is present in population databases (no rsID available, gnomAD 0.0009%). This variant has not been reported in the literature in individuals affected with STAT4-related conditions. ClinVar contains an entry for this variant (Variation ID: 3674705). An algorithm developed to predict the effect of missense changes on protein structure and function (PolyPhen-2) suggests that this variant is likely to be tolerated. In summary, the available evidence is currently insufficient to determine the role of this variant in disease. Therefore, it has been classified as a Variant of Uncertain Significance.